The following is an entry in ClinVar:

ClinVar aggregate classification (germline): Uncertain significance. Review status: criteria provided, multiple submitters, no conflicts (2 of 4 stars). 3 submissions from 3 submitters: Uncertain significance (2). 1 of the submissions does not count toward it. Last evaluated 2024-10-28.

Conditions:
Nemaline myopathy 2 (NEM2). Also called: Nemaline myopathy 2, autosomal recessive. Identifiers: MedGen C1850569, MONDO:0009725, OMIM 256030.
Inborn genetic diseases. Identifiers: MedGen C0950123, MeSH D030342.

Allele frequency attached by ClinVar (database versions not stated): gnomAD exomes below 0.00001 and 0.00001; ExAC 0.00002; gnomAD 0.00003 and 0.00004; TOPMed 0.00010; 1000 Genomes Project 30x 0.00016; 1000 Genomes Project 0.00020.
gnomAD v4.1: 12 of 1,602,184 alleles (0.00075%); highest among the groups gnomAD compares: Admixed American, 0.0051%; no homozygotes.

Submissions (3):

Labcorp Genetics (formerly Invitae), Labcorp
Classification: Uncertain significance for Nemaline myopathy 2. Last evaluated: 2024-10-28. Review status: criteria provided, single submitter. Criteria: Invitae Variant Classification Sherloc (09022015). Collection method: clinical testing. Allele origin: germline.
Comment: This sequence change replaces alanine, which is neutral and non-polar, with threonine, which is neutral and polar, at codon 8449 of the NEB protein (p.Ala8449Thr). The frequency data for this variant in the population databases is considered unreliable, as metrics indicate poor data quality at this position in the gnomAD database. This variant has not been reported in the literature in individuals affected with NEB-related conditions. ClinVar contains an entry for this variant (Variation ID: 1009275). An algorithm developed to predict the effect of missense changes on protein structure and function outputs the following: PolyPhen-2: "Not Available". The threonine amino acid residue is found in multiple mammalian species, which suggests that this missense change does not adversely affect protein function. In summary, the available evidence is currently insufficient to determine the role of this variant in disease. Therefore, it has been classified as a Variant of Uncertain Significance.

Ambry Genetics
Classification: Uncertain significance for Inborn genetic diseases. Last evaluated: 2024-01-23. Review status: criteria provided, single submitter. Criteria: Ambry Variant Classification Scheme 2023. Collection method: clinical testing. Allele origin: germline.

Natera, Inc.
Classification: Uncertain significance for Nemaline myopathy type 2. Last evaluated: 2020-02-26. Review status: no assertion criteria provided. Collection method: clinical testing. Allele origin: germline. Not counted in ClinVar's aggregate classification.

NM_001164508.2(NEB):c.25240G>A (p.Ala8414Thr)

Genes: NEB (nebulin; minus strand), RIF1 (replication timing regulatory factor 1; plus strand). Cytogenetic location: 2q23.3.
Variant type: single nucleotide variant.
Coding change: c.25240G>A on transcript NM_001164508.2 (MANE Select); coding-DNA position 25240, G replaced by A.
Protein change: p.Ala8414Thr; replaces alanine 8414 with threonine.
Molecular consequence: missense variant.
Genome position (GRCh38, 1-based): chr2:151,490,429, C>T on the plus strand (G>A on the coding strand, the complement: NEB is on the minus strand). VCF-style: chr2-151490429-C-T. GRCh37 (hg19) VCF-style: chr2-152346943-C-T.
Other names: c.25240G>A, p.Ala8414Thr (NM_001164507.2); c.25345G>A, p.Ala8449Thr (NM_001271208.2); c.19672G>A, p.Ala6558Thr (NM_004543.5); c.19672G>A (NM_004543.4); short protein forms A6558T, A8414T, A8449T.
Identifiers: ClinVar variation 1009275 (VCV001009275.12), dbSNP rs563173814, ClinGen allele CA1905770.
Genomic context (GRCh38, chr2:151,490,429, plus strand): 5'-TACCTGTTGAGACTGCAAAGACACCCCCGTCGCTGTAAGTCGAAAGGTGGTGGTCTGGTG[C>T]TTCTGAATGCTCAGACTTCTCCTCACCCCCACTGATGCTTAGTGCACTGGCAGATCGTGA-3'
Protein context (NP_001157980.2, residues 8404-8424): GGEEKSEHSE[Ala8414Thr]PDHHLSTYSD